The following is an entry in ClinVar:

NM_002471.4(MYH6):c.3043G>A (p.Glu1015Lys)

Gene: MYH6 (myosin heavy chain 6; minus strand). Cytogenetic location: 14q11.2.
Variant type: single nucleotide variant.
Coding change: c.3043G>A on transcript NM_002471.4 (MANE Select); coding-DNA position 3043, G replaced by A.
Protein change: p.Glu1015Lys; replaces glutamic acid 1015 with lysine.
Molecular consequence: missense variant.
Genome position (GRCh38, 1-based): chr14:23,393,404, C>T on the plus strand (G>A on the coding strand, the complement: MYH6 is on the minus strand). VCF-style: chr14-23393404-C-T. GRCh37 (hg19) VCF-style: chr14-23862613-C-T.
Other names: short protein forms E1015K.
Identifiers: ClinVar variation 2644098 (VCV002644098.24), dbSNP rs2502169018, ClinGen allele CA389010585.
Genomic context (GRCh38, chr14:23,393,404, plus strand): 5'-CATCCACCTGCTGCTCCAGCTTGACCTTAGACTTGGACAGGCTGTTGACCTTGTCTTCCT[C>T]AACCTGAAGGTCATCCAGGGCCTGCTGATGGGCCTCTTGTAGAGCTTTCTTCTCCTTGGT-3'
Protein context (NP_002462.2, residues 1005-1025): HQQALDDLQV[Glu1015Lys]EDKVNSLSKS

ClinVar aggregate classification (germline): Uncertain significance (1 of 4 stars; one submission).

Submission:

CeGaT Center for Human Genetics Tuebingen
Classification: Uncertain significance. Last evaluated: 2023-08-01. Review status: criteria provided, single submitter. Criteria: CeGaT Center For Human Genetics Tuebingen Variant Classification Criteria Version 2. Collection method: clinical testing. Allele origin: germline. Affected: yes. Observed: 1 variant allele.
Comment: MYH6: PM2, PP3